The following is an entry in ClinVar:

NM_025099.6(CTC1):c.269G>A (p.Ser90Asn)

Gene: CTC1 (CST telomere replication complex component 1; minus strand). Cytogenetic location: 17p13.1.
Variant type: single nucleotide variant.
Coding change: c.269G>A on transcript NM_025099.6 (MANE Select); coding-DNA position 269, G replaced by A.
Protein change: p.Ser90Asn; replaces serine 90 with asparagine.
Molecular consequence: missense variant. On other transcripts: non-coding transcript variant (1).
Genome position (GRCh38, 1-based): chr17:8,238,558, C>T on the plus strand (G>A on the coding strand, the complement: CTC1 is on the minus strand). VCF-style: chr17-8238558-C-T. GRCh37 (hg19) VCF-style: chr17-8141876-C-T.
Other names: c.269G>A, p.Ser90Asn (NM_001411067.1); short protein forms S90N.
Identifiers: ClinVar variation 2769082 (VCV002769082.3), dbSNP rs2507951476, ClinGen allele CA397993707.
Genomic context (GRCh38, chr17:8,238,558, plus strand): 5'-TGCTCTCGGGGCAGGGGGTTCCCATTTGGTCCAGCCTCTTGGGCCCAGGCCTGGTATGCA[C>T]TACTGCTCCACGACAGGTGGCTGCAGCATGGGAGACGCTGGTGAGTCTTGAGGTCCTGTA-3'
Protein context (NP_079375.3, residues 80-100): PCCSHLSWSS[Ser90Asn]AYQAWAQEAG

ClinVar aggregate classification (germline): Uncertain significance (1 of 4 stars; one submission).

Conditions:
Dyskeratosis congenita. Identifiers: Orphanet 1775, MedGen C0265965, MONDO:0015780.

Submission:

Labcorp Genetics (formerly Invitae), Labcorp
Classification: Uncertain significance for Dyskeratosis congenita. Last evaluated: 2023-10-16. Review status: criteria provided, single submitter. Criteria: Invitae Variant Classification Sherloc (09022015). Collection method: clinical testing. Allele origin: germline.
Comment: This sequence change replaces serine, which is neutral and polar, with asparagine, which is neutral and polar, at codon 90 of the CTC1 protein (p.Ser90Asn). This variant is not present in population databases (gnomAD no frequency). This variant has not been reported in the literature in individuals affected with CTC1-related conditions. Advanced modeling of protein sequence and biophysical properties (such as structural, functional, and spatial information, amino acid conservation, physicochemical variation, residue mobility, and thermodynamic stability) performed at Invitae indicates that this missense variant is not expected to disrupt CTC1 protein function. In summary, the available evidence is currently insufficient to determine the role of this variant in disease. Therefore, it has been classified as a Variant of Uncertain Significance.